The following is an entry in ClinVar:

ClinVar aggregate classification (germline): Uncertain significance. Review status: criteria provided, multiple submitters, no conflicts (2 of 4 stars). 2 submissions from 2 submitters: Uncertain significance (2). Last evaluated 2024-05-08.

Conditions:
Hereditary cancer-predisposing syndrome. Also called: Hereditary Cancer Syndrome; Neoplastic Syndromes, Hereditary; Tumor predisposition; Hereditary neoplastic syndrome. Identifiers: Orphanet 140162, MedGen C0027672, MeSH D009386, MONDO:0015356.

Submissions (2):

Ambry Genetics
Classification: Uncertain significance for Hereditary cancer-predisposing syndrome. Last evaluated: 2024-05-08. Review status: criteria provided, single submitter. Criteria: Ambry Variant Classification Scheme 2023. Collection method: clinical testing. Allele origin: germline.
Comment: The p.Q349R variant (also known as c.1046A>G), located in coding exon 9 of the APC gene, results from an A to G substitution at nucleotide position 1046. The glutamine at codon 349 is replaced by arginine, an amino acid with highly similar properties. This amino acid position is highly conserved in available vertebrate species. In addition, in silico predictors for this gene do not accurately predict pathogenicity. Based on the available evidence, the clinical significance of this variant remains unclear.

Color Diagnostics, LLC DBA Color Health
Classification: Uncertain significance for Hereditary cancer-predisposing syndrome. Last evaluated: 2024-01-16. Review status: criteria provided, single submitter. Criteria: ACMG Guidelines, 2015. Collection method: clinical testing. Allele origin: germline.
Comment: This missense variant replaces glutamine with arginine at codon 349 of the APC protein. Computational prediction suggests that this variant may not impact protein structure and function (internally defined REVEL score threshold <= 0.5, PMID: 27666373). To our knowledge, functional studies have not been reported for this variant. This variant has not been reported in individuals affected with APC-related disorders in the literature. This variant has not been identified in the general population by the Genome Aggregation Database (gnomAD). The available evidence is insufficient to determine the role of this variant in disease conclusively. Therefore, this variant is classified as a Variant of Uncertain Significance.

NM_000038.6(APC):c.1046A>G (p.Gln349Arg)

Gene: APC (APC regulator of Wnt signaling pathway; plus strand). Cytogenetic location: 5q22.2.
Variant type: single nucleotide variant.
Coding change: c.1046A>G on transcript NM_000038.6 (MANE Select); coding-DNA position 1046, A replaced by G.
Protein change: p.Gln349Arg; replaces glutamine 349 with arginine.
Molecular consequence: missense variant. On other transcripts: intron variant (4).
Genome position (GRCh38, 1-based): chr5:112,819,078, A>G. VCF-style: chr5-112819078-A-G. GRCh37 (hg19) VCF-style: chr5-112154775-A-G.
Other names: c.1046A>G, p.Gln349Arg (NM_001127510.3, NM_001354895.2, NM_001354896.2); c.992A>G, p.Gln331Arg (NM_001127511.3); c.1076A>G, p.Gln359Arg (NM_001354897.2); c.971A>G, p.Gln324Arg (NM_001354898.2); c.962A>G, p.Gln321Arg (NM_001354899.2); c.869A>G, p.Gln290Arg (NM_001354900.2, NM_001354901.2); c.197A>G, p.Gln66Arg (NM_001354906.2); c.964-191A>G (NM_001354902.2); and 3 more; short protein forms Q331R, Q349R, Q321R, Q324R, Q290R, Q359R, Q66R.
Identifiers: ClinVar variation 490186 (VCV000490186.7), dbSNP rs1554079986, ClinGen allele CA16023601.
Genomic context (GRCh38, chr5:112,819,078, plus strand): 5'-ATATGTCGCGAACTTTGCTAGCTATGTCTAGCTCCCAAGACAGCTGTATATCCATGCGAC[A>G]GTCTGGATGTCTTCCTCTCCTCATCCAGCTTTTACATGGCAATGACAAAGACTCTGTATT-3'
Protein context (NP_000029.2, residues 339-359): SSQDSCISMR[Gln349Arg]SGCLPLLIQL